The following is an entry in ClinVar:

NM_020191.4(MRPS22):c.865A>T (p.Ile289Phe)

Gene: MRPS22 (mitochondrial ribosomal protein S22; plus strand). Cytogenetic location: 3q23.
Variant type: single nucleotide variant.
Coding change: c.865A>T on transcript NM_020191.4 (MANE Select); coding-DNA position 865, A replaced by T.
Protein change: p.Ile289Phe; replaces isoleucine 289 with phenylalanine.
Molecular consequence: missense variant.
Genome position (GRCh38, 1-based): chr3:139,352,779, A>T. VCF-style: chr3-139352779-A-T. GRCh37 (hg19) VCF-style: chr3-139071621-A-T.
Other names: c.742A>T, p.Ile248Phe (NM_001363857.1); c.862A>T, p.Ile288Phe (NM_001363893.1); short protein forms I288F, I248F, I289F.
Identifiers: ClinVar variation 1395001 (VCV001395001.6), dbSNP rs772835214, ClinGen allele CA354763693.
Genomic context (GRCh38, chr3:139,352,779, plus strand): 5'-GGTGGAATGGTGTGGTATTTTGTAAATAATAAAAAGATTGATGGTTTGCTGATTGACCAG[A>T]TTCAGAGAGATTTGTAAGTATGATCTTAGTAAGTGAAAGAATCATTCTTATTGCTCTAAC-3'
Protein context (NP_064576.1, residues 279-299): KKIDGLLIDQ[Ile289Phe]QRDLIDDATN

ClinVar aggregate classification (germline): Uncertain significance (1 of 4 stars; one submission).

Allele frequency attached by ClinVar (database versions not stated): TOPMed below 0.00001.
gnomAD v4.1: 31 of 1,613,362 alleles (0.0019%); highest among the groups gnomAD compares: Non-Finnish European, 0.0026%; no homozygotes.

Submission:

Labcorp Genetics (formerly Invitae), Labcorp
Classification: Uncertain significance. Last evaluated: 2023-12-22. Review status: criteria provided, single submitter. Criteria: Invitae Variant Classification Sherloc (09022015). Collection method: clinical testing. Allele origin: germline.
Comment: This sequence change replaces isoleucine, which is neutral and non-polar, with phenylalanine, which is neutral and non-polar, at codon 289 of the MRPS22 protein (p.Ile289Phe). This variant is present in population databases (no rsID available, gnomAD 0.0009%). This variant has not been reported in the literature in individuals affected with MRPS22-related conditions. ClinVar contains an entry for this variant (Variation ID: 1395001). Advanced modeling of protein sequence and biophysical properties (such as structural, functional, and spatial information, amino acid conservation, physicochemical variation, residue mobility, and thermodynamic stability) performed at Invitae indicates that this missense variant is not expected to disrupt MRPS22 protein function with a negative predictive value of 80%. In summary, the available evidence is currently insufficient to determine the role of this variant in disease. Therefore, it has been classified as a Variant of Uncertain Significance.